The following is an entry in ClinVar:

ClinVar aggregate classification (germline): Uncertain significance. Review status: criteria provided, multiple submitters, no conflicts (2 of 4 stars). 4 submissions from 4 submitters: Uncertain significance (4). Last evaluated 2025-09-25.

Conditions:
Hereditary cancer-predisposing syndrome. Also called: Neoplastic Syndromes, Hereditary; Hereditary Cancer Syndrome; Hereditary neoplastic syndrome; Tumor predisposition. Identifiers: Orphanet 140162, MedGen C0027672, MeSH D009386, MONDO:0015356.
Familial cancer of breast. Also called: BREAST CANCER, FAMILIAL; hereditary breast carcinoma; Hereditary breast cancer. Identifiers: Orphanet 227535, MedGen C0346153, MONDO:0016419, OMIM 114480. Disease mechanism: loss of function.

Allele frequency attached by ClinVar (database versions not stated): TOPMed below 0.00001.

Submissions (4):

Ambry Genetics
Classification: Uncertain significance for Hereditary cancer-predisposing syndrome. Last evaluated: 2025-09-25. Review status: criteria provided, single submitter. Criteria: Ambry Variant Classification Scheme 2023. Collection method: clinical testing. Allele origin: germline.
Comment: The p.Y446C variant (also known as c.1337A>G), located in coding exon 5 of the BARD1 gene, results from an A to G substitution at nucleotide position 1337. The tyrosine at codon 446 is replaced by cysteine, an amino acid with highly dissimilar properties. This amino acid position is not well conserved in available vertebrate species. In addition, the in silico prediction for this alteration is inconclusive. Since supporting evidence is limited at this time, the clinical significance of this alteration remains unclear.

Labcorp Genetics (formerly Invitae), Labcorp
Classification: Uncertain significance for Familial cancer of breast. Last evaluated: 2025-04-03. Review status: criteria provided, single submitter. Criteria: Invitae Variant Classification Sherloc (09022015). Collection method: clinical testing. Allele origin: germline.
Comment: This sequence change replaces tyrosine, which is neutral and polar, with cysteine, which is neutral and slightly polar, at codon 446 of the BARD1 protein (p.Tyr446Cys). This variant is not present in population databases (gnomAD no frequency). This variant has not been reported in the literature in individuals affected with BARD1-related conditions. ClinVar contains an entry for this variant (Variation ID: 479150). An algorithm developed to predict the effect of missense changes on protein structure and function (PolyPhen-2) suggests that this variant is likely to be disruptive. In summary, the available evidence is currently insufficient to determine the role of this variant in disease. Therefore, it has been classified as a Variant of Uncertain Significance.

Sema4
Classification: Uncertain significance for Hereditary cancer-predisposing syndrome. Last evaluated: 2021-09-13. Review status: criteria provided, single submitter. Criteria: Sema4 Curation Guidelines. Collection method: curation. Allele origin: germline.
Comment: The BARD1 c.1337A>G (p.Y446C) variant has not been reported in the literature to our knowledge. It was not observed in the large and broad cohorts of the Genome Aggregation Database (PMID: 32461654). The variant has been reported in ClinVar (Variation ID 479150). Functional studies have not been performed, and in silico predictions of the variant's effect on protein function are inconclusive. The evidence is insufficient to meet ACMG/AMP criteria for classifying the variant as benign or pathogenic. Thus, the clinical significance of this variant is currently uncertain.

Quest Diagnostics Nichols Institute San Juan Capistrano
Classification: Uncertain significance. Last evaluated: 2018-01-29. Review status: criteria provided, single submitter. Criteria: Quest Diagnostics criteria. Collection method: clinical testing. Allele origin: germline.

NM_000465.4(BARD1):c.1337A>G (p.Tyr446Cys)

Gene: BARD1 (BRCA1 associated RING domain 1; minus strand). Cytogenetic location: 2q35.
Variant type: single nucleotide variant.
Coding change: c.1337A>G on transcript NM_000465.4 (MANE Select); coding-DNA position 1337, A replaced by G.
Protein change: p.Tyr446Cys; replaces tyrosine 446 with cysteine.
Molecular consequence: missense variant. On other transcripts: non-coding transcript variant (3), intron variant (3).
Genome position (GRCh38, 1-based): chr2:214,769,290, T>C on the plus strand (A>G on the coding strand, the complement: BARD1 is on the minus strand). VCF-style: chr2-214769290-T-C. GRCh37 (hg19) VCF-style: chr2-215634014-T-C.
Other names: c.1280A>G, p.Tyr427Cys (NM_001282543.2); c.159-16735A>G (NM_001282548.2); c.216-16735A>G (NM_001282545.2); c.364+23007A>G (NM_001282549.2); short protein forms Y446C, Y427C.
Identifiers: ClinVar variation 479150 (VCV000479150.16), dbSNP rs1406008867, ClinGen allele CA350450451.